The following is an entry in ClinVar:

ClinVar aggregate classification (germline): Uncertain significance (1 of 4 stars; one submission).

Allele frequency attached by ClinVar (database versions not stated): gnomAD exomes below 0.00001; ExAC 0.00001.
gnomAD v4.1: 1 of 1,614,046 alleles (0.000062%); highest among the groups gnomAD compares: Admixed American, 0.0017%; no homozygotes.

Submission:

GeneDx
Classification: Uncertain significance. Last evaluated: 2022-06-27. Review status: criteria provided, single submitter. Criteria: GeneDx Variant Classification Process June 2021. Collection method: clinical testing. Allele origin: germline. Affected: yes.
Comment: Not observed at significant frequency in large population cohorts (gnomAD); In silico analysis supports that this missense variant has a deleterious effect on protein structure/function; Has not been previously published as pathogenic or benign to our knowledge

NM_005559.4(LAMA1):c.3082T>A (p.Cys1028Ser)

Gene: LAMA1 (laminin subunit alpha 1; minus strand). Cytogenetic location: 18p11.31.
Variant type: single nucleotide variant.
Coding change: c.3082T>A on transcript NM_005559.4 (MANE Select); coding-DNA position 3082, T replaced by A.
Protein change: p.Cys1028Ser; replaces cysteine 1028 with serine.
Molecular consequence: missense variant.
Genome position (GRCh38, 1-based): chr18:7,015,766, A>T on the plus strand (T>A on the coding strand, the complement: LAMA1 is on the minus strand). VCF-style: chr18-7015766-A-T. GRCh37 (hg19) VCF-style: chr18-7015765-A-T.
Other names: short protein forms C1028S.
Identifiers: ClinVar variation 1809902 (VCV001809902.1), dbSNP rs774660304, ClinGen allele CA8882411.